The following is an entry in ClinVar:

ClinVar aggregate classification (germline): Uncertain significance (1 of 4 stars; one submission).

Conditions:
Glycogen storage disease IXa1. Also called: GLYCOGEN STORAGE DISEASE VIII; GSD VIII; LIVER GLYCOGENOSIS, X-LINKED, TYPE I; Glycogen storage disease 8. Identifiers: Orphanet 264580, MedGen C3694531, MONDO:0010598, OMIM 306000.

Submission:

Labcorp Genetics (formerly Invitae), Labcorp
Classification: Uncertain significance for Glycogen storage disease IXa1. Last evaluated: 2018-10-18. Review status: criteria provided, single submitter. Criteria: Invitae Variant Classification Sherloc (09022015). Collection method: clinical testing. Allele origin: germline.
Comment: This sequence change replaces methionine with valine at codon 1010 of the PHKA2 protein (p.Met1010Val). The methionine residue is weakly conserved and there is a small physicochemical difference between methionine and valine. In summary, the available evidence is currently insufficient to determine the role of this variant in disease. Therefore, it has been classified as a Variant of Uncertain Significance. Algorithms developed to predict the effect of sequence changes on RNA splicing suggest that this variant may create or strengthen a splice site, but this prediction has not been confirmed by published transcriptional studies. Algorithms developed to predict the effect of missense changes on protein structure and function (SIFT, PolyPhen-2, Align-GVGD) all suggest that this variant is likely to be tolerated, but these predictions have not been confirmed by published functional studies and their clinical significance is uncertain. This variant has not been reported in the literature in individuals with PHKA2-related disease. This variant is not present in population databases (ExAC no frequency).

NM_000292.3(PHKA2):c.3028A>G (p.Met1010Val)

Gene: PHKA2 (phosphorylase kinase regulatory subunit alpha 2; minus strand). Cytogenetic location: Xp22.13.
Variant type: single nucleotide variant.
Coding change: c.3028A>G on transcript NM_000292.3 (MANE Select); coding-DNA position 3028, A replaced by G.
Protein change: p.Met1010Val; replaces methionine 1010 with valine.
Molecular consequence: missense variant.
Genome position (GRCh38, 1-based): chrX:18,900,699, T>C on the plus strand (A>G on the coding strand, the complement: PHKA2 is on the minus strand). VCF-style: chrX-18900699-T-C. GRCh37 (hg19) VCF-style: chrX-18918817-T-C.
Other names: short protein forms M1010V.
Identifiers: ClinVar variation 663390 (VCV000663390.8), dbSNP rs1601700586, ClinGen allele CA412380235.
Genomic context (GRCh38, chrX:18,900,699, plus strand): 5'-GTAAAGGACGAACAAGGCAAAGGGGTGTCACCTGTTCATCAGCACTAAACCGCCTAGTCA[T>C]CTGAAAGCAAAAATACATCAGGAAATCAAAACCAGCTTTGAGCCAAGAACGCGTGCTTCT-3'
Protein context (NP_000283.1, residues 1000-1020): INRLRSEMKQ[Met1010Val]TRRFSADEQF